The following is an entry in ClinVar:

ClinVar aggregate classification (germline): Uncertain significance (1 of 4 stars; one submission).

Conditions:
Autosomal recessive limb-girdle muscular dystrophy type R18 (LGMDR18). Also called: Limb-girdle muscular dystrophy, type 2S; MUSCULAR DYSTROPHY, LIMB-GIRDLE, AUTOSOMAL RECESSIVE 18; Autosomal recessive limb-girdle muscular dystrophy type 2S. Identifiers: Orphanet 369840, MedGen C4517996, MONDO:0014144, OMIM 615356.

Allele frequency attached by ClinVar (database versions not stated): TOPMed 0.00001; ExAC 0.00003; gnomAD exomes 0.00003 and 0.00007; gnomAD 0.00005; 1000 Genomes Project 30x 0.00047; 1000 Genomes Project 0.00060.
gnomAD v4.1: 109 of 1,603,666 alleles (0.0068%); highest among the groups gnomAD compares: East Asian, 0.23%; no homozygotes.

Submission:

Labcorp Genetics (formerly Invitae), Labcorp
Classification: Uncertain significance for Autosomal recessive limb-girdle muscular dystrophy type R18. Last evaluated: 2022-07-06. Review status: criteria provided, single submitter. Criteria: Invitae Variant Classification Sherloc (09022015). Collection method: clinical testing. Allele origin: germline.
Comment: This variant has not been reported in the literature in individuals affected with TRAPPC11-related conditions. ClinVar contains an entry for this variant (Variation ID: 474353). Algorithms developed to predict the effect of missense changes on protein structure and function (SIFT, PolyPhen-2, Align-GVGD) all suggest that this variant is likely to be tolerated. In summary, the available evidence is currently insufficient to determine the role of this variant in disease. Therefore, it has been classified as a Variant of Uncertain Significance. This variant is present in population databases (rs200931036, gnomAD 0.02%). This sequence change replaces valine, which is neutral and non-polar, with alanine, which is neutral and non-polar, at codon 895 of the TRAPPC11 protein (p.Val895Ala).

NM_021942.6(TRAPPC11):c.2684T>C (p.Val895Ala)

Gene: TRAPPC11 (trafficking protein particle complex subunit 11; plus strand). Cytogenetic location: 4q35.1.
Variant type: single nucleotide variant.
Coding change: c.2684T>C on transcript NM_021942.6 (MANE Select); coding-DNA position 2684, T replaced by C.
Protein change: p.Val895Ala; replaces valine 895 with alanine.
Molecular consequence: missense variant.
Genome position (GRCh38, 1-based): chr4:183,697,558, T>C. VCF-style: chr4-183697558-T-C. GRCh37 (hg19) VCF-style: chr4-184618711-T-C.
Other names: c.2684T>C, p.Val895Ala (NM_199053.3); short protein forms V895A.
Identifiers: ClinVar variation 474353 (VCV000474353.7), dbSNP rs200931036, ClinGen allele CA3152276.